The following is an entry in ClinVar:

NM_001040142.2(SCN2A):c.2016+5G>A

Gene: SCN2A (sodium voltage-gated channel alpha subunit 2; plus strand). Cytogenetic location: 2q24.3.
Variant type: single nucleotide variant.
Coding change: c.2016+5G>A on transcript NM_001040142.2 (MANE Select); 5 bases into the intron after coding-DNA position 2016, G replaced by A.
Molecular consequence: intron variant.
Genome position (GRCh38, 1-based): chr2:165,323,505, G>A. VCF-style: chr2-165323505-G-A. GRCh37 (hg19) VCF-style: chr2-166180015-G-A.
Other names: c.2016+5G>A (NM_001040143.2, NM_001371246.1, NM_001371247.1 and 1 more transcripts).
Identifiers: ClinVar variation 664726 (VCV000664726.7), dbSNP rs756399627, ClinGen allele CA1939904.

ClinVar aggregate classification (germline): Uncertain significance (1 of 4 stars; one submission).

Conditions:
Seizures, benign familial infantile, 3 (BFIS3). Also called: CONVULSIONS, BENIGN FAMILIAL INFANTILE, 3; Familial neonatal seizures. Identifiers: Orphanet 140927, Orphanet 306, MedGen C1843140, MONDO:0011904, OMIM 607745.
Developmental and epileptic encephalopathy, 11 (DEE11). Also called: Early infantile epileptic encephalopathy 11. Identifiers: Orphanet 1934, MedGen C3150987, MONDO:0013388, OMIM 613721.

Allele frequency attached by ClinVar (database versions not stated): TOPMed below 0.00001; gnomAD exomes 0.00001 and 0.00002; ExAC 0.00003.

Submission:

Labcorp Genetics (formerly Invitae), Labcorp
Classification: Uncertain significance for Seizures, benign familial infantile, 3; Developmental and epileptic encephalopathy, 11. Last evaluated: 2023-11-20. Review status: criteria provided, single submitter. Criteria: Invitae Variant Classification Sherloc (09022015). Collection method: clinical testing. Allele origin: germline.
Comment: This sequence change falls in intron 12 of the SCN2A gene. It does not directly change the encoded amino acid sequence of the SCN2A protein. It affects a nucleotide within the consensus splice site. This variant is present in population databases (rs756399627, gnomAD 0.003%). This variant has not been reported in the literature in individuals affected with SCN2A-related conditions. ClinVar contains an entry for this variant (Variation ID: 664726). Variants that disrupt the consensus splice site are a relatively common cause of aberrant splicing (PMID: 17576681, 9536098). Algorithms developed to predict the effect of sequence changes on RNA splicing suggest that this variant may disrupt the consensus splice site. In summary, the available evidence is currently insufficient to determine the role of this variant in disease. Therefore, it has been classified as a Variant of Uncertain Significance.

Literature cited by the submitters: PubMed 17576681; PubMed 9536098.